The following is an entry in ClinVar:

NM_005465.7(AKT3):c.49G>A (p.Glu17Lys)

Gene: AKT3 (AKT serine/threonine kinase 3; minus strand). Cytogenetic location: 1q44.
Variant type: single nucleotide variant.
Coding change: c.49G>A on transcript NM_005465.7 (MANE Select); coding-DNA position 49, G replaced by A.
Protein change: p.Glu17Lys; replaces glutamic acid 17 with lysine.
Molecular consequence: missense variant.
Genome position (GRCh38, 1-based): chr1:243,695,714, C>T on the plus strand (G>A on the coding strand, the complement: AKT3 is on the minus strand). VCF-style: chr1-243695714-C-T. GRCh37 (hg19) VCF-style: chr1-243859016-C-T.
Other names: NM_181690.2(AKT3):c.49G>A; NM_005465.7(AKT3):c.49G>A; c.49G>A, p.Glu17Lys (NM_001206729.2, NM_001370074.1, NM_181690.2); short protein forms E17K.
Identifiers: ClinVar variation 39816 (VCV000039816.7), dbSNP rs397514606, ClinGen allele CA130584.
Genomic context (GRCh38, chr1:243,695,714, plus strand): 5'-CTATGAATGAGCCATCTGTCTTCAAAAGGAAGTATCTTGGCCTCCAGTTTTTTATATATT[C>T]TCCTACATGAGGAAAGCACGCATGTTAATGCTGAAAAAAATGAACAGCAGCTTTTATGCA-3'
Protein context (NP_005456.1, residues 7-27): VKEGWVQKRG[Glu17Lys]YIKNWRPRYF

ClinVar aggregate classification (germline): Pathogenic. Review status: reviewed by expert panel (3 of 4 stars). 2 submissions from 2 submitters: Pathogenic (1). 1 of the submissions does not count toward it. Last evaluated 2022-02-12.
ClinVar aggregate classification (somatic clinical impact): Tier II - Potential. Review status: criteria provided, single submitter (1 of 4 stars). 2 submissions from 1 submitter. Last evaluated 2024-11-12.

Conditions:
Overgrowth syndrome and/or cerebral malformations due to abnormalities in MTOR pathway genes. Identifiers: MedGen CN300503, MONDO:0100283.
Megalencephaly-polymicrogyria-polydactyly-hydrocephalus syndrome 2 (MPPH2). Also called: MEGALENCEPHALY-POLYMICROGYRIA-POLYDACTYLY-HYDROCEPHALUS SYNDROME 2, SOMATIC. Identifiers: Orphanet 83473, MedGen C4014738, MONDO:0014407, OMIM 615937.
Cns neuroblastoma with FOXR2 activation. Identifiers: MedGen CN372171, MONDO:0859597.
Medulloblastoma (MDB). Also called: Medulloblastoma, somatic; MEDULLOBLASTOMA PREDISPOSITION SYNDROME. Identifiers: Orphanet 616, MedGen C0025149, MeSH D008527, MONDO:0007959, OMIM 155255, HP:0002885.

Submissions (4):

ClinGen Brain Malformations Variant Curation Expert Panel
Classification: Pathogenic for Overgrowth syndrome and/or cerebral malformations due to abnormalities in MTOR pathway genes. Last evaluated: 2022-02-12. Review status: reviewed by expert panel. Criteria: ClinGen BrainMalform ACMG Specifications v1. Collection method: curation. Allele origin: germline. Inheritance: Autosomal dominant inheritance.
Comment: The c.49G>A (NM_005465.7) variant in AKT3 is a missense variant predicted to cause substitution of (p.Glu17Lys). This variant is absent from gnomAD v2.1.1 (PM2_Supporting). AKT3, in which the variant was identified, is defined by the ClinGen Brain Malformations Expert Panel as a gene that has a low rate of benign missense variation and where pathogenic missense variants are a common mechanism of disease (PP2). This variant resides within the pleckstrin homology domain of AKT3 that is defined as a critical functional domain by the ClinGen BMEP (PMID: 28969385) (PM1_Supporting). This variant has been shown to significantly increase phosphorylation levels in experiments with case and control cells of similar isogenic backgrounds indicating that this variant impacts protein function (PMID: 18813315) (PS3_Supporting). The prevalence of the variant in affected individuals is significantly increased compared with the prevalence in controls (PS4; PMIDs: 28969385, 22500628, 22729223; identified in 4 individuals with neuroimaging demonstrating at least one large cerebral hemisphere with cortical malformation(s) and 7 tumor samples in the literature and COSMIC). Testing of unaffected and affected tissue show variable allelic fractions consistent with a post-zygotic event (PS2_Moderate; PMID: 22500628). In summary, this variant meets the criteria to be classified as Pathogenic for mosaic autosomal dominant overgrowth with or without cerebral malformations due to abnormalities in MTOR-pathway genes based on the ACMG/AMP criteria applied, as specified by the ClinGen Brain Malformations Expert Panel: PM2_P, PP2, PM1_P, PS3_P, PS4, PS2_M; 10 points (VCEP specifications version 1; Approved: 1/31/2021)

Institute for Genomic Medicine (IGM) Clinical Laboratory, Nationwide Children's Hospital
Classification: Tier II - Potential for Medulloblastoma. Assertion type: diagnostic. Clinical significance: supports diagnosis. Last evaluated: 2024-11-12. Review status: criteria provided, single submitter. Criteria: AMP/ASCO/CAP Guidelines, 2017. Collection method: clinical testing. Allele origin: somatic. Affected: yes.
Comment: Variant has Tier II (potential) clinical significance as a diagnostic inclusion criterion in medulloblastoma, based on the following evidence: 1) Documented in one or more cancer databases (e.g., St. Jude Pecan, COSMIC, CIViC, OncoKB). 2) Information in the literature supports potential biologic effect of variant (PMID: 23134728). 3) Diagnostic significance based on multiple small studies (Evidence Level C; PMIDs: 18813315, 25601471, 26701849, 29489754).

Institute for Genomic Medicine (IGM) Clinical Laboratory, Nationwide Children's Hospital
Classification: Tier II - Potential for Cns neuroblastoma with FOXR2 activation. Assertion type: diagnostic. Clinical significance: supports diagnosis. Last evaluated: 2023-10-13. Review status: criteria provided, single submitter. Criteria: AMP/ASCO/CAP Guidelines, 2017. Collection method: clinical testing. Allele origin: somatic. Affected: yes.
Comment: Variant has Tier II (potential) clinical significance as a diagnostic inclusion criterion in cns neuroblastoma with FOXR2 activation, based on the following evidence: 1) Documented in one or more cancer databases (e.g., St. Jude Pecan, COSMIC, CIViC, OncoKB). 2) Information in the literature supports potential biologic effect of variant (PMIDs: 18813315, 23134728, 19887560). 3) Diagnostic significance based on multiple small studies (Evidence Level C; PMIDs: 18813315, 22500628).

OMIM
Classification: Pathogenic for MEGALENCEPHALY-POLYMICROGYRIA-POLYDACTYLY-HYDROCEPHALUS SYNDROME 2, SOMATIC. Last evaluated: 2012-06-24. Review status: no assertion criteria provided. Collection method: literature only. Allele origin: somatic. Not counted in ClinVar's aggregate classification.

Literature cited by the submitters: PubMed 22500628 (cited by 3 submitters); PubMed 28969385 (cited by ClinGen Brain Malformations Variant Curation Expert Panel); PubMed 18813315 (cited by ClinGen Brain Malformations Variant Curation Expert Panel and Institute for Genomic Medicine (IGM) Clinical Laboratory, Nationwide Children's Hospital); PubMed 22729223 (cited by ClinGen Brain Malformations Variant Curation Expert Panel and OMIM); PubMed 23134728 (cited by Institute for Genomic Medicine (IGM) Clinical Laboratory, Nationwide Children's Hospital); PubMed 25601471 (cited by Institute for Genomic Medicine (IGM) Clinical Laboratory, Nationwide Children's Hospital); PubMed 26701849 (cited by Institute for Genomic Medicine (IGM) Clinical Laboratory, Nationwide Children's Hospital); PubMed 29489754 (cited by Institute for Genomic Medicine (IGM) Clinical Laboratory, Nationwide Children's Hospital); PubMed 19887560 (cited by Institute for Genomic Medicine (IGM) Clinical Laboratory, Nationwide Children's Hospital); PubMed 31471318 (cited by OMIM).